The following is an entry in ClinVar:

NM_001384474.1(LOXHD1):c.5805_5806delinsTGTCTCTTAT (p.Asp1936fs)

Gene: LOXHD1 (lipoxygenase homology PLAT domains 1; minus strand). Cytogenetic location: 18q21.1.
Variant type: Indel.
Coding change: c.5805_5806delinsTGTCTCTTAT on transcript NM_001384474.1 (MANE Select); coding-DNA positions 5805 to 5806, GG replaced by TGTCTCTTAT.
Protein change: p.Asp1936fs; shifts the reading frame from aspartic acid 1936.
Molecular consequence: frameshift variant.
Genome position (GRCh38, 1-based): chr18:46,505,910-46,505,911, CC replaced by ATAAGAGACA on the plus strand (GG replaced by TGTCTCTTAT on the coding strand, the reverse complement: LOXHD1 is on the minus strand). VCF-style: chr18-46505910-CC-ATAAGAGACA. GRCh37 (hg19) VCF-style: chr18-44085873-CC-ATAAGAGACA.
Other names: c.2472_2473delinsTGTCTCTTAT, p.Asp825fs (NM_001145472.3); c.522_523delinsTGTCTCTTAT, p.Asp175fs (NM_001145473.3, NM_001173129.2); c.2184_2185delinsTGTCTCTTAT, p.Asp729fs (NM_001308013.2); c.5619_5620delinsTGTCTCTTAT, p.Asp1874fs (NM_144612.7); short protein forms D175fs, D1874fs, D1936fs, D729fs, D825fs.
Identifiers: ClinVar variation 5011208 (VCV005011208.1).

ClinVar aggregate classification (germline): Pathogenic (1 of 4 stars; one submission).

Conditions:
Autosomal recessive nonsyndromic hearing loss 77. Identifiers: Orphanet 90636, MedGen C2746083, MONDO:0013119, OMIM 613079.

Submission:

Myriad Genetics, Inc.
Classification: Pathogenic for Autosomal recessive nonsyndromic hearing loss 77. Last evaluated: 2024-05-14. Review status: criteria provided, single submitter. Criteria: Myriad Autosomal Dominant, Autosomal Recessive and X-Linked Classification Criteria (2023). Collection method: clinical testing. Allele origin: unknown.
Comment: NM_144612.6(LOXHD1):c.5619_5620del2ins10(D1874Vfs*12) is expected to be pathogenic in the context of nonsyndromic hearing loss, LOXHD1-related. This variant is predicted to lead to an abnormal or absent protein product due to the creation of a premature termination codon in LOXHD1, a gene where loss-of-function variants are known to be pathogenic. Please note: this variant was assessed in the context of healthy population screening.